The following is an entry in ClinVar:

ClinVar aggregate classification (germline): Likely benign. Review status: criteria provided, multiple submitters, no conflicts (2 of 4 stars). 3 submissions from 3 submitters: Likely benign (2). 1 of the submissions does not count toward it. Last evaluated 2024-11-20.

Conditions:
Deficiency of alpha-mannosidase (MANSA). Also called: LYSOSOMAL ALPHA-D-MANNOSIDASE DEFICIENCY; Alpha-Mannosidosis; Mannosidosis, alpha-, types I and II. Identifiers: Orphanet 61, MedGen C0024748, MONDO:0009561, OMIM 248500.
MAN2B1-related disorder. Also called: MAN2B1-related condition.

Allele frequency attached by ClinVar (database versions not stated): gnomAD exomes below 0.00001; gnomAD 0.00001; TOPMed 0.00001.
gnomAD v4.1: 3 of 1,614,080 alleles (0.00019%); highest among the groups gnomAD compares: African/African-American, 0.004%; no homozygotes.

Submissions (3):

PreventionGenetics, part of Exact Sciences
Classification: Likely benign for MAN2B1-related condition. Last evaluated: 2024-11-20. Review status: criteria provided, single submitter. Criteria: ACMG Guidelines, 2015. Collection method: clinical testing. Allele origin: germline.
Comment: This variant is classified as likely benign based on ACMG/AMP sequence variant interpretation guidelines (Richards et al. 2015 PMID: 25741868, with internal and published modifications).

Labcorp Genetics (formerly Invitae), Labcorp
Classification: Likely benign for Deficiency of alpha-mannosidase. Last evaluated: 2023-09-11. Review status: criteria provided, single submitter. Criteria: Invitae Variant Classification Sherloc (09022015). Collection method: clinical testing. Allele origin: germline.

Natera, Inc.
Classification: Uncertain significance for Alpha-mannosidosis. Last evaluated: 2020-09-16. Review status: no assertion criteria provided. Collection method: clinical testing. Allele origin: germline. Not counted in ClinVar's aggregate classification.

NM_000528.4(MAN2B1):c.2856G>A (p.Gln952=)

Gene: MAN2B1 (mannosidase alpha class 2B member 1; minus strand). Cytogenetic location: 19p13.13.
Variant type: single nucleotide variant.
Coding change: c.2856G>A on transcript NM_000528.4 (MANE Select); coding-DNA position 2856, G replaced by A.
Protein change: p.Gln952=; no amino-acid change (glutamine 952 retained).
Molecular consequence: synonymous variant.
Genome position (GRCh38, 1-based): chr19:12,647,300, C>T on the plus strand (G>A on the coding strand, the complement: MAN2B1 is on the minus strand). VCF-style: chr19-12647300-C-T. GRCh37 (hg19) VCF-style: chr19-12758114-C-T.
Other names: c.2853G>A, p.Gln951= (NM_001173498.2).
Identifiers: ClinVar variation 851060 (VCV000851060.10), dbSNP rs1318861970, ClinGen allele CA505770621.
Genomic context (GRCh38, chr19:12,647,300, plus strand): 5'-TGTTGTCCACTTGAGCCTGGAGGCTGCCTCGCGGAGCTGGTTGGCCACCAGCGTGGTCTC[C>T]TGCAGGCGGGTGATGGTGAAGGTGGAGAACAGGTCCTGCGGGGAAGGGGATGGGCCCAGA-3'
Protein context (NP_000519.2, residues 942-962): LFSTFTITRL[Gln952=]ETTLVANQLR